The following is an entry in ClinVar:

NM_007078.3(LDB3):c.1379C>T (p.Ala460Val)

Gene: LDB3 (LIM domain binding 3; plus strand). Cytogenetic location: 10q23.2.
Variant type: single nucleotide variant.
Coding change: c.1379C>T on transcript NM_007078.3 (MANE Select); coding-DNA position 1379, C replaced by T.
Protein change: p.Ala460Val; replaces alanine 460 with valine.
Molecular consequence: missense variant.
Genome position (GRCh38, 1-based): chr10:86,716,474, C>T. VCF-style: chr10-86716474-C-T. GRCh37 (hg19) VCF-style: chr10-88476231-C-T.
Other names: c.1049C>T, p.Ala350Val (NM_001080114.2); c.1394C>T, p.Ala465Val (NM_001171610.2); c.1190C>T, p.Ala397Val (NM_001368064.1, NM_001368065.1); c.1238C>T, p.Ala413Val (NM_001368066.1); short protein forms A397V, A413V, A460V, A350V, A465V.
Identifiers: ClinVar variation 2879202 (VCV002879202.4), dbSNP rs199771163, ClinGen allele CA5585146.

ClinVar aggregate classification (germline): Conflicting classifications of pathogenicity. Review status: criteria provided, conflicting classifications (1 of 4 stars). 2 submissions from 2 submitters: Uncertain significance (1); Likely benign (1). Last evaluated 2025-04-11.

Conditions:
Myofibrillar myopathy 4. Also called: Zaspopathy (type). Identifiers: Orphanet 98912, MedGen C4721886, MONDO:0012277, OMIM 609452.

Allele frequency attached by ClinVar (database versions not stated): ExAC 0.00012; gnomAD 0.00012; 1000 Genomes Project 30x 0.00016; 1000 Genomes Project 0.00020.
gnomAD v4.1: 78 of 1,609,560 alleles (0.0048%); no homozygotes.

Submissions (2):

Labcorp Genetics (formerly Invitae), Labcorp
Classification: Uncertain significance for Myofibrillar myopathy 4. Last evaluated: 2025-04-11. Review status: criteria provided, single submitter. Criteria: Invitae Variant Classification Sherloc (09022015). Collection method: clinical testing. Allele origin: germline.
Comment: The LDB3 gene has multiple clinically relevant transcripts. This variant occurs in alternate transcript NM_007078.3, and corresponds to NM_001080116.1:c.*17100C>T in the primary transcript. This sequence change replaces alanine, which is neutral and non-polar, with valine, which is neutral and non-polar, at codon 460 of the LDB3 protein (p.Ala460Val). This variant is present in population databases (rs199771163, gnomAD 0.1%). This variant has not been reported in the literature in individuals affected with LDB3-related conditions. In summary, the available evidence is currently insufficient to determine the role of this variant in disease. Therefore, it has been classified as a Variant of Uncertain Significance.

Blueprint Genetics
Classification: Likely benign. Last evaluated: 2023-01-19. Review status: criteria provided, single submitter. Criteria: ACMG Guidelines, 2015. Collection method: clinical testing. Allele origin: germline.